The following is an entry in ClinVar:

ClinVar aggregate classification (germline): Uncertain significance (1 of 4 stars; one submission).

Conditions:
Ataxia-telangiectasia syndrome (AT). Also called: Ataxia-telangiectasia, complementation group D; AT, COMPLEMENTATION GROUP C; ATAXIA-TELANGIECTASIA, COMPLEMENTATION GROUP A; ATAXIA-TELANGIECTASIA, FRESNO VARIANT; Ataxia-telangiectasia; Ataxia-telangiectasia, complementation group E. Identifiers: Orphanet 100, MedGen C0004135, MONDO:0008840, OMIM 208900.

Submission:

Labcorp Genetics (formerly Invitae), Labcorp
Classification: Uncertain significance for Ataxia-telangiectasia syndrome. Last evaluated: 2024-08-08. Review status: criteria provided, single submitter. Criteria: Invitae Variant Classification Sherloc (09022015). Collection method: clinical testing. Allele origin: germline.
Comment: This sequence change falls in intron 54 of the ATM gene. It does not directly change the encoded amino acid sequence of the ATM protein. It affects a nucleotide within the consensus splice site. This variant is not present in population databases (gnomAD no frequency). This variant has not been reported in the literature in individuals affected with ATM-related conditions. Variants that disrupt the consensus splice site are a relatively common cause of aberrant splicing (PMID: 17576681, 9536098). Algorithms developed to predict the effect of sequence changes on RNA splicing suggest that this variant may disrupt the consensus splice site. In summary, the available evidence is currently insufficient to determine the role of this variant in disease. Therefore, it has been classified as a Variant of Uncertain Significance.

Literature cited by the submitters: PubMed 17576681; PubMed 9536098.

NM_000051.4(ATM):c.8010+3A>C

Genes: ATM (ATM serine/threonine kinase; plus strand), C11orf65 (chromosome 11 open reading frame 65; minus strand). Cytogenetic location: 11q22.3.
Variant type: single nucleotide variant.
Coding change: c.8010+3A>C on transcript NM_000051.4 (MANE Select); 3 bases into the intron after coding-DNA position 8010, A replaced by C.
Molecular consequence: intron variant.
Genome position (GRCh38, 1-based): chr11:108,333,971, A>C. VCF-style: chr11-108333971-A-C. GRCh37 (hg19) VCF-style: chr11-108204698-A-C.
Other names: c.8010+3A>C (NM_001351834.2); c.641-24900T>G (NM_001330368.2); c.*38+1249T>G (NM_001351110.2).
Identifiers: ClinVar variation 3661819 (VCV003661819.2).
Genomic context (GRCh38, chr11:108,333,971, plus strand): 5'-GCCAATTACTAAACTTAAGAATTTAGAAGATGTTGTTGTCCCTACTATGGAAATTAAGGT[A>C]ATTTGCAATTAACTCTTGATTTTTTTTAAACTAAATTTTTTTTATTAGATTGAACCATTT-3'